The following is an entry in ClinVar:

ClinVar aggregate classification (germline): Uncertain significance (1 of 4 stars; one submission).

Conditions:
Inborn genetic diseases. Identifiers: MedGen C0950123, MeSH D030342.

Submission:

Ambry Genetics
Classification: Uncertain significance for Inborn genetic diseases. Last evaluated: 2025-06-13. Review status: criteria provided, single submitter. Criteria: Ambry Variant Classification Scheme 2023. Collection method: clinical testing. Allele origin: germline.
Comment: Resulting transcript is predicted to be in-frame and is not expected to trigger nonsense-mediated mRNA decay Based on insufficient or conflicting evidence, the clinical significance of this alteration remains unclear.

NM_000091.5(COL4A3):c.2746+1G>A

Genes: COL4A3 (collagen type IV alpha 3 chain; plus strand), MFF-DT (MFF divergent transcript; minus strand). Cytogenetic location: 2q36.3.
Variant type: single nucleotide variant.
Coding change: c.2746+1G>A on transcript NM_000091.5 (MANE Select); the canonical splice donor site of the intron after coding-DNA position 2746, G replaced by A.
Molecular consequence: splice donor variant.
Genome position (GRCh38, 1-based): chr2:227,283,857, G>A. VCF-style: chr2-227283857-G-A. GRCh37 (hg19) VCF-style: chr2-228148573-G-A.
Identifiers: ClinVar variation 4005381 (VCV004005381.1).